The following is an entry in ClinVar:

NM_002470.4(MYH3):c.563A>T (p.Asn188Ile)

Gene: MYH3 (myosin heavy chain 3; minus strand). Cytogenetic location: 17p13.1.
Variant type: single nucleotide variant.
Coding change: c.563A>T on transcript NM_002470.4 (MANE Select); coding-DNA position 563, A replaced by T.
Protein change: p.Asn188Ile; replaces asparagine 188 with isoleucine.
Molecular consequence: missense variant.
Genome position (GRCh38, 1-based): chr17:10,649,656, T>A on the plus strand (A>T on the coding strand, the complement: MYH3 is on the minus strand). VCF-style: chr17-10649656-T-A. GRCh37 (hg19) VCF-style: chr17-10552973-T-A.
Other names: short protein forms N188I.
Identifiers: ClinVar variation 3252994 (VCV003252994.1), dbSNP rs2508637956.
Genomic context (GRCh38, chr17:10,649,656, plus strand): 5'-TTCTTGGCCAGGTCCCCAGTAGCTGCAATTGTTGCAAAGTACTGGATGACCCGTTTGGTG[T>A]TCACAGTCTTTCCTGCCCCGGATTCTCCGCTGTACAGAGTGATCAAAAGAGAGAGAAAGA-3'
Protein context (NP_002461.2, residues 178-198): TGESGAGKTV[Asn188Ile]TKRVIQYFAT

ClinVar aggregate classification (germline): Likely pathogenic (1 of 4 stars; one submission).

Submission:

GeneDx
Classification: Likely pathogenic. Last evaluated: 2024-03-31. Review status: criteria provided, single submitter. Criteria: GeneDx Variant Classification Process June 2021. Collection method: clinical testing. Allele origin: germline. Affected: yes.
Comment: Not observed at significant frequency in large population cohorts (gnomAD); In silico analysis supports that this missense variant has a deleterious effect on protein structure/function; Has not been previously published as pathogenic or benign to our knowledge